The following is an entry in ClinVar:

ClinVar aggregate classification (germline): Pathogenic (1 of 4 stars; one submission).

Conditions:
Pheochromocytoma. Also called: MAX-Related Hereditary Paraganglioma-Pheochromocytoma Syndrome. Identifiers: Orphanet 29072, MedGen C0031511, MONDO:0008233, OMIM 171300, HP:0002666.
Paragangliomas with sensorineural hearing loss. Identifiers: MedGen C1868633.
Cowden syndrome 3 (CWS3). Identifiers: Orphanet 201, MedGen CN166604, MONDO:0014045.
Carney-Stratakis syndrome. Also called: PARAGANGLIOMA AND GASTROINTESTINAL STROMAL TUMOR. Identifiers: Orphanet 97286, MedGen C1847319, MONDO:0011740, OMIM 606864.

Submission:

Labcorp Genetics (formerly Invitae), Labcorp
Classification: Pathogenic for Carney-Stratakis syndrome; Paragangliomas with sensorineural hearing loss; Pheochromocytoma; Cowden syndrome 3. Last evaluated: 2021-08-28. Review status: criteria provided, single submitter. Criteria: Invitae Variant Classification Sherloc (09022015). Collection method: clinical testing. Allele origin: germline.
Comment: Algorithms developed to predict the effect of sequence changes on RNA splicing suggest that this variant may disrupt the consensus splice site. ClinVar contains an entry for this variant (Variation ID: 663854). Disruption of this splice site has been observed in individuals with paraganglioma (Invitae). This variant is not present in population databases (ExAC no frequency). This sequence change affects a donor splice site in intron 1 of the SDHD gene. It is expected to disrupt RNA splicing. Variants that disrupt the donor or acceptor splice site typically lead to a loss of protein function (PMID: 16199547), and loss-of-function variants in SDHD are known to be pathogenic (PMID: 19454582, 19802898). For these reasons, this variant has been classified as Pathogenic.

Literature cited by the submitters: PubMed 16199547; PubMed 19454582; PubMed 19802898.

NM_003002.4(SDHD):c.52+2T>C

Genes: SDHD (succinate dehydrogenase complex subunit D; plus strand), LOC126861339 (BRD4-independent group 4 enhancer GRCh37_chr11:111957035-111958234; plus strand). Cytogenetic location: 11q23.1.
Variant type: single nucleotide variant.
Coding change: c.52+2T>C on transcript NM_003002.4 (MANE Select); the canonical splice donor site of the intron after coding-DNA position 52, T replaced by C.
Molecular consequence: splice donor variant.
Genome position (GRCh38, 1-based): chr11:112,086,961, T>C. VCF-style: chr11-112086961-T-C. GRCh37 (hg19) VCF-style: chr11-111957685-T-C.
Other names: c.52+2T>C (NM_001276506.2, NM_001276503.2, NM_001276504.2).
Identifiers: ClinVar variation 663854 (VCV000663854.6), dbSNP rs587776644, ClinGen allele CA382616778.